The following is an entry in ClinVar:

ClinVar aggregate classification (germline): Uncertain significance. Review status: criteria provided, multiple submitters, no conflicts (2 of 4 stars). 3 submissions from 3 submitters: Uncertain significance (3). Last evaluated 2024-06-03.

Conditions:
Fraser syndrome 1 (FRASRS1). Also called: CRYPTOPHTHALMOS WITH OTHER MALFORMATIONS. Identifiers: Orphanet 2052, MedGen C4551480, MONDO:0054737, OMIM 219000.
Inborn genetic diseases. Identifiers: MedGen C0950123, MeSH D030342.

Allele frequency attached by ClinVar (database versions not stated): gnomAD exomes 0.00001; ExAC 0.00002; gnomAD 0.00008; TOPMed 0.00014.
gnomAD v4.1: 26 of 1,613,140 alleles (0.0016%); highest among the groups gnomAD compares: African/African-American, 0.028%; no homozygotes.

Submissions (3):

Labcorp Genetics (formerly Invitae), Labcorp
Classification: Uncertain significance. Last evaluated: 2024-06-03. Review status: criteria provided, single submitter. Criteria: Invitae Variant Classification Sherloc (09022015). Collection method: clinical testing. Allele origin: germline.
Comment: This sequence change replaces glutamine, which is neutral and polar, with arginine, which is basic and polar, at codon 975 of the FRAS1 protein (p.Gln975Arg). This variant is present in population databases (rs761201148, gnomAD 0.02%). This variant has not been reported in the literature in individuals affected with FRAS1-related conditions. ClinVar contains an entry for this variant (Variation ID: 2064209). An algorithm developed to predict the effect of missense changes on protein structure and function (PolyPhen-2) suggests that this variant is likely to be disruptive. In summary, the available evidence is currently insufficient to determine the role of this variant in disease. Therefore, it has been classified as a Variant of Uncertain Significance.

Fulgent Genetics
Classification: Uncertain significance for Fraser syndrome 1. Last evaluated: 2024-04-12. Review status: criteria provided, single submitter. Criteria: ACMG Guidelines, 2015. Collection method: clinical testing. Allele origin: germline.

Ambry Genetics
Classification: Uncertain significance for Inborn genetic diseases. Last evaluated: 2021-10-21. Review status: criteria provided, single submitter. Criteria: Ambry Variant Classification Scheme 2023. Collection method: clinical testing. Allele origin: germline.

NM_025074.7(FRAS1):c.2924A>G (p.Gln975Arg)

Gene: FRAS1 (Fraser extracellular matrix complex subunit 1; plus strand). Cytogenetic location: 4q21.21.
Variant type: single nucleotide variant.
Coding change: c.2924A>G on transcript NM_025074.7 (MANE Select); coding-DNA position 2924, A replaced by G.
Protein change: p.Gln975Arg; replaces glutamine 975 with arginine.
Molecular consequence: missense variant.
Genome position (GRCh38, 1-based): chr4:78,372,772, A>G. VCF-style: chr4-78372772-A-G. GRCh37 (hg19) VCF-style: chr4-79293926-A-G.
Other names: c.2924A>G, p.Gln975Arg (NM_001166133.2); short protein forms Q975R.
Identifiers: ClinVar variation 2064209 (VCV002064209.5), dbSNP rs761201148, ClinGen allele CA2976769.